The following is an entry in ClinVar:

NM_024721.5(ZFHX4):c.6249G>A (p.Met2083Ile)

Gene: ZFHX4 (zinc finger homeobox 4; plus strand). Cytogenetic location: 8q21.13.
Variant type: single nucleotide variant.
Coding change: c.6249G>A on transcript NM_024721.5 (MANE Select); coding-DNA position 6249, G replaced by A.
Protein change: p.Met2083Ile; replaces methionine 2083 with isoleucine.
Molecular consequence: missense variant.
Genome position (GRCh38, 1-based): chr8:76,853,170, G>A. VCF-style: chr8-76853170-G-A. GRCh37 (hg19) VCF-style: chr8-77765406-G-A.
Other names: c.6171G>A, p.Met2057Ile (NM_001410934.1); short protein forms M2057I, M2083I.
Identifiers: ClinVar variation 3900284 (VCV003900284.1).
Genomic context (GRCh38, chr8:76,853,170, plus strand): 5'-TCCTCCACAGGTCCAACTGCCGGTTTCTCTGGACCTGCCGCTCTTTCCTTCCATTATGAT[G>A]CAACCTGTGCAACACCCTGCGCTTCCTCCCCAGCTTGCCCTGCAGCTGCCACAGATGGAC-3'
Protein context (NP_078997.4, residues 2073-2093): LDLPLFPSIM[Met2083Ile]QPVQHPALPP

ClinVar aggregate classification (germline): Uncertain significance (1 of 4 stars; one submission).

Submission:

GeneDx
Classification: Uncertain significance. Last evaluated: 2023-02-07. Review status: criteria provided, single submitter. Criteria: GeneDx Variant Classification Process June 2021. Collection method: clinical testing. Allele origin: germline. Affected: yes.
Comment: In silico analysis supports that this missense variant has a deleterious effect on protein structure/function; Has not been previously published as pathogenic or benign to our knowledge; Variants in candidate genes are classified as variants of uncertain significance in accordance with ACMG guidelines (Richards et al., 2015)